The following is an entry in ClinVar:

NM_002336.3(LRP6):c.456G>A (p.Met152Ile)

Gene: LRP6 (LDL receptor related protein 6; minus strand). Cytogenetic location: 12p13.2.
Variant type: single nucleotide variant.
Coding change: c.456G>A on transcript NM_002336.3 (MANE Select); coding-DNA position 456, G replaced by A.
Protein change: p.Met152Ile; replaces methionine 152 with isoleucine.
Molecular consequence: missense variant. On other transcripts: initiator codon variant (3), non-coding transcript variant (1), intron variant (1).
Genome position (GRCh38, 1-based): chr12:12,203,394, C>T on the plus strand (G>A on the coding strand, the complement: LRP6 is on the minus strand). VCF-style: chr12-12203394-C-T. GRCh37 (hg19) VCF-style: chr12-12356328-C-T.
Other names: c.456G>A, p.Met152Ile (NM_001414244.1, NM_001414245.1, NM_001414246.1 and 5 more transcripts); c.456G>A (NM_002336.2); c.3G>A, p.Met1Ile (NM_001414252.1, NM_001414253.1, NM_001414254.1); c.450-16275G>A (NM_001414247.1); short protein forms M152I, M1I.
Identifiers: ClinVar variation 4797485 (VCV004797485.2).

ClinVar aggregate classification (germline): Uncertain significance. Review status: criteria provided, multiple submitters, no conflicts (2 of 4 stars). 2 submissions from 2 submitters: Uncertain significance (2). Last evaluated 2026-04-01.

Conditions:
Inborn genetic diseases. Identifiers: MedGen C0950123, MeSH D030342.

Submissions (2):

Ambry Genetics
Classification: Uncertain significance for Inborn genetic diseases. Last evaluated: 2026-04-01. Review status: criteria provided, single submitter. Criteria: Ambry Variant Classification Scheme 2023. Collection method: clinical testing. Allele origin: germline.

Labcorp Genetics (formerly Invitae), Labcorp
Classification: Uncertain significance. Last evaluated: 2025-10-03. Review status: criteria provided, single submitter. Criteria: Invitae Variant Classification Sherloc (09022015). Collection method: clinical testing. Allele origin: germline.
Comment: This sequence change replaces methionine, which is neutral and non-polar, with isoleucine, which is neutral and non-polar, at codon 152 of the LRP6 protein (p.Met152Ile). This variant is present in population databases (no rsID available, gnomAD 0.01%). This variant has not been reported in the literature in individuals affected with LRP6-related conditions. Invitae Evidence Modeling of protein sequence and biophysical properties (such as structural, functional, and spatial information, amino acid conservation, physicochemical variation, residue mobility, and thermodynamic stability) indicates that this missense variant is not expected to disrupt LRP6 protein function with a negative predictive value of 80%. In summary, the available evidence is currently insufficient to determine the role of this variant in disease. Therefore, it has been classified as a Variant of Uncertain Significance.